The following is an entry in ClinVar:

ClinVar aggregate classification (germline): Uncertain significance (1 of 4 stars; one submission).

Conditions:
Severe early-onset pulmonary alveolar proteinosis due to MARS deficiency. Also called: PULMONARY ALVEOLAR PROTEINOSIS, REUNION ISLAND; Interstitial lung and liver disease. Identifiers: Orphanet 440427, MedGen C4225400, MONDO:0014206, OMIM 615486.
Charcot-Marie-Tooth disease axonal type 2U. Also called: CHARCOT-MARIE-TOOTH NEUROPATHY, TYPE 2U; CHARCOT-MARIE-TOOTH DISEASE, AXONAL, AUTOSOMAL DOMINANT, TYPE 2U. Identifiers: Orphanet 397735, MedGen C4084821, MONDO:0014566, OMIM 616280.

Submission:

Labcorp Genetics (formerly Invitae), Labcorp
Classification: Uncertain significance for Charcot-Marie-Tooth disease axonal type 2U; Severe early-onset pulmonary alveolar proteinosis due to MARS deficiency. Last evaluated: 2021-07-21. Review status: criteria provided, single submitter. Criteria: Invitae Variant Classification Sherloc (09022015). Collection method: clinical testing. Allele origin: germline.
Comment: This sequence change creates a premature translational stop signal (p.Leu507*) in the MARS gene. It is expected to result in an absent or disrupted protein product. However, the current clinical and genetic evidence is not sufficient to establish whether loss-of-function variants in MARS cause disease. This variant is not present in population databases (ExAC no frequency). This variant has not been reported in the literature in individuals affected with MARS-related conditions. In summary, the available evidence is currently insufficient to determine the role of this variant in disease. Therefore, it has been classified as a Variant of Uncertain Significance.

NM_004990.4(MARS1):c.1518del (p.Pro506_Leu507insTer)

Gene: MARS1 (methionyl-tRNA synthetase 1; plus strand). Cytogenetic location: 12q13.3.
Variant type: Deletion.
Coding change: c.1518del on transcript NM_004990.4 (MANE Select); coding-DNA position 1518, one base deleted (C; older notation c.1518delC).
Protein change: p.Pro506_Leu507insTer.
Molecular consequence: frameshift variant.
Genome position (GRCh38, 1-based): chr12:57,511,847, C deleted; the last of 3 consecutive C bases (chr12:57,511,845-57,511,847); deleting any one gives the same sequence. VCF-style (leftmost placement, unchanged base first): chr12-57511844-AC-A. GRCh37 (hg19) VCF-style: chr12-57905627-AC-A.
Identifiers: ClinVar variation 1681742 (VCV001681742.6), dbSNP rs2140033925, ClinGen allele CA2573148843.